The following is an entry in ClinVar:

ClinVar aggregate classification (germline): Pathogenic (3 of 4 stars; one submission).

Conditions:
Glanzmann thrombasthenia. Also called: BLEEDING DISORDER, PLATELET-TYPE, 2; THROMBASTHENIA OF GLANZMANN AND NAEGELI; PLATELET GLYCOPROTEIN IIb-IIIa DEFICIENCY; Glanzmann's thrombasthenia; Thrombasthenia. Identifiers: Orphanet 849, MedGen C0040015, MONDO:0100326.

Allele frequency attached by ClinVar (database versions not stated): gnomAD exomes below 0.00001.

Submission:

ClinGen Platelet Disorders Variant Curation Expert Panel, ClinGen
Classification: Pathogenic for Glanzmann thrombasthenia. Last evaluated: 2020-09-04. Review status: reviewed by expert panel. Criteria: ClinGen Platelet ACMG Specifications v2. Collection method: curation. Allele origin: germline. Inheritance: Autosomal recessive inheritance.
Comment: The c.1030dup variant has been reported in two probands (PMID: 25373348 and GT database patient 455) and is absent from ExAC and gnomAD.This variant creates a frameshift, Tyr344LeufsTer5, in exon 7 with a premature stop codon in exon 8, which is predicted to result in NMD. In summary, this variant meets criteria to be classified as Pathogenic for GT. GT-specific criteria applied: PVS1, PP4_strong, and PM2_supporting.

NM_000212.3(ITGB3):c.1030dup (p.Tyr344fs)

Gene: ITGB3 (integrin subunit beta 3; plus strand). Cytogenetic location: 17q21.32.
Variant type: Duplication.
Coding change: c.1030dup on transcript NM_000212.3 (MANE Select); coding-DNA position 1030, one base duplicated (T; older notation c.1030dupT).
Protein change: p.Tyr344fs; shifts the reading frame from tyrosine 344.
Molecular consequence: frameshift variant.
Genome position (GRCh38, 1-based): chr17:47,289,771, T duplicated. VCF-style (leftmost placement, unchanged base first): chr17-47289770-C-CT. GRCh37 (hg19) VCF-style: chr17-45367136-C-CT.
Other names: short protein forms Y344fs.
Identifiers: ClinVar variation 953026 (VCV000953026.3), dbSNP rs2065118104, ClinGen allele CA658820875.